The following is an entry in ClinVar:

ClinVar aggregate classification (germline): Uncertain significance. Review status: criteria provided, multiple submitters, no conflicts (2 of 4 stars). 2 submissions from 2 submitters: Uncertain significance (2). Last evaluated 2025-12-04.

Conditions:
Tuberous sclerosis 1 (TSC1). Identifiers: Orphanet 805, MedGen C1854465, MONDO:0008612, OMIM 191100.
Hereditary cancer-predisposing syndrome. Also called: Hereditary Cancer Syndrome; Neoplastic Syndromes, Hereditary; Tumor predisposition; Hereditary neoplastic syndrome. Identifiers: Orphanet 140162, MedGen C0027672, MeSH D009386, MONDO:0015356.

Allele frequency attached by ClinVar (database versions not stated): TOPMed below 0.00001; gnomAD 0.00001.
gnomAD v4.1: 1 of 1,613,828 alleles (0.000062%); highest among the groups gnomAD compares: Non-Finnish European, 0.000085%; no homozygotes.

Submissions (2):

Ambry Genetics
Classification: Uncertain significance for Hereditary cancer-predisposing syndrome. Last evaluated: 2025-12-04. Review status: criteria provided, single submitter. Criteria: Ambry Variant Classification Scheme 2023. Collection method: clinical testing. Allele origin: germline.
Comment: The c.1997+4A>G intronic variant results from an A to G substitution 4 nucleotides after coding exon 13 in the TSC1 gene. This nucleotide position is well conserved in available vertebrate species. In silico splice site analysis predicts that this alteration will not have any significant effect on splicing. Based on the available evidence, the clinical significance of this variant remains unclear.

Labcorp Genetics (formerly Invitae), Labcorp
Classification: Uncertain significance for Tuberous sclerosis 1. Last evaluated: 2025-10-18. Review status: criteria provided, single submitter. Criteria: Invitae Variant Classification Sherloc (09022015). Collection method: clinical testing. Allele origin: germline.
Comment: This sequence change falls in intron 15 of the TSC1 gene. It does not directly change the encoded amino acid sequence of the TSC1 protein. It affects a nucleotide within the consensus splice site. This variant is not present in population databases (gnomAD no frequency). This variant has not been reported in the literature in individuals affected with TSC1-related conditions. ClinVar contains an entry for this variant (Variation ID: 1346706). Variants that disrupt the consensus splice site are a relatively common cause of aberrant splicing (PMID: 17576681, 9536098). Algorithms developed to predict the effect of sequence changes on RNA splicing suggest that this variant is not likely to affect RNA splicing. In summary, the available evidence is currently insufficient to determine the role of this variant in disease. Therefore, it has been classified as a Variant of Uncertain Significance.

Literature cited by the submitters: PubMed 17576681 (cited by Labcorp Genetics (formerly Invitae), Labcorp); PubMed 9536098 (cited by Labcorp Genetics (formerly Invitae), Labcorp).

NM_000368.5(TSC1):c.1997+4A>G

Gene: TSC1 (TSC complex subunit 1; minus strand). Cytogenetic location: 9q34.13.
Variant type: single nucleotide variant.
Coding change: c.1997+4A>G on transcript NM_000368.5 (MANE Select); 4 bases into the intron after coding-DNA position 1997, A replaced by G.
Molecular consequence: intron variant.
Genome position (GRCh38, 1-based): chr9:132,905,577, T>C on the plus strand (A>G on the coding strand, the complement: TSC1 is on the minus strand). VCF-style: chr9-132905577-T-C. GRCh37 (hg19) VCF-style: chr9-135780964-T-C.
Other names: c.1634+4A>G (NM_001362177.2); c.1844+4A>G (NM_001162427.2); c.1994+4A>G (NM_001162426.2); c.1997+4A>G (NM_000368.4).
Identifiers: ClinVar variation 1346706 (VCV001346706.7), dbSNP rs1404828446, ClinGen allele CA860672944.